The following is an entry in ClinVar:

NC_000010.11:g.(?_49458805)_(49665056_?)del

Genes: PGBD3 (piggyBac transposable element derived 3; minus strand), SLC18A3 (solute carrier family 18 member A3; plus strand), CHAT (choline O-acetyltransferase; plus strand), ERCC6 (ERCC excision repair 6, chromatin remodeling factor; minus strand), LOC130003805 (ATAC-STARR-seq lymphoblastoid active region 3352; plus strand) and 7 more. Cytogenetic location: 10q11.23.
Variant type: Deletion.
Identifiers: ClinVar variation 646404 (VCV000646404.2).

ClinVar aggregate classification (germline): Pathogenic (1 of 4 stars; one submission).

Submission:

Labcorp Genetics (formerly Invitae), Labcorp
Classification: Pathogenic. Last evaluated: 2019-11-04. Review status: criteria provided, single submitter. Criteria: Invitae Variant Classification Sherloc (09022015). Collection method: clinical testing. Allele origin: germline.
Comment: A gross deletion of the genomic region encompassing the full coding sequence of the ERCC6 gene has been identified. The boundaries of this event are unknown as the deletion extends beyond the assayed region for this gene and therefore may encompass additional genes. Isolated whole-gene deletions of ERCC6 have not been reported in the literature. However, larger copy number events that include this gene have been reported (PMID: 29572252, 21376145, 21477668). Loss-of-function variants in ERCC6 are known to be pathogenic (PMID: 9443879, 18628313). For these reasons, this variant has been classified as Pathogenic.

Literature cited by the submitters: PubMed 21477668; PubMed 29572252; PubMed 21376145.